The following is an entry in ClinVar:

NM_206933.4(USH2A):c.1678C>A (p.Pro560Thr)

Gene: USH2A (usherin; minus strand). Cytogenetic location: 1q41.
Variant type: single nucleotide variant.
Coding change: c.1678C>A on transcript NM_206933.4 (MANE Select); coding-DNA position 1678, C replaced by A.
Protein change: p.Pro560Thr; replaces proline 560 with threonine.
Molecular consequence: missense variant.
Genome position (GRCh38, 1-based): chr1:216,292,337, G>T on the plus strand (C>A on the coding strand, the complement: USH2A is on the minus strand). VCF-style: chr1-216292337-G-T. GRCh37 (hg19) VCF-style: chr1-216465679-G-T.
Other names: c.1678C>A, p.Pro560Thr (NM_007123.6); short protein forms P560T.
Identifiers: ClinVar variation 1955093 (VCV001955093.5), dbSNP rs147509797, ClinGen allele CA344903460.

ClinVar aggregate classification (germline): Uncertain significance (1 of 4 stars; one submission).

gnomAD v4.1: 2 of 1,613,986 alleles (0.00012%); highest among the groups gnomAD compares: Non-Finnish European, 0.00017%; no homozygotes.

Submission:

Labcorp Genetics (formerly Invitae), Labcorp
Classification: Uncertain significance. Last evaluated: 2022-10-18. Review status: criteria provided, single submitter. Criteria: Invitae Variant Classification Sherloc (09022015). Collection method: clinical testing. Allele origin: germline.
Comment: In summary, the available evidence is currently insufficient to determine the role of this variant in disease. Therefore, it has been classified as a Variant of Uncertain Significance. Advanced modeling of protein sequence and biophysical properties (such as structural, functional, and spatial information, amino acid conservation, physicochemical variation, residue mobility, and thermodynamic stability) has been performed at Invitae for this missense variant, however the output from this modeling did not meet the statistical confidence thresholds required to predict the impact of this variant on USH2A protein function. This variant has not been reported in the literature in individuals affected with USH2A-related conditions. This variant is not present in population databases (gnomAD no frequency). This sequence change replaces proline, which is neutral and non-polar, with threonine, which is neutral and polar, at codon 560 of the USH2A protein (p.Pro560Thr).